The following is an entry in ClinVar:

NM_001854.4(COL11A1):c.1576G>T (p.Ala526Ser)

Gene: COL11A1 (collagen type XI alpha 1 chain; minus strand). Cytogenetic location: 1p21.1.
Variant type: single nucleotide variant.
Coding change: c.1576G>T on transcript NM_001854.4 (MANE Select); coding-DNA position 1576, G replaced by T.
Protein change: p.Ala526Ser; replaces alanine 526 with serine.
Molecular consequence: missense variant. On other transcripts: non-coding transcript variant (1).
Genome position (GRCh38, 1-based): chr1:103,012,466, C>A on the plus strand (G>T on the coding strand, the complement: COL11A1 is on the minus strand). VCF-style: chr1-103012466-C-A. GRCh37 (hg19) VCF-style: chr1-103478022-C-A.
Other names: c.1228G>T, p.Ala410Ser (NM_001168249.1, NM_080630.4); c.1459G>T, p.Ala487Ser (NM_001190709.2); c.1612G>T, p.Ala538Ser (NM_080629.3); short protein forms A410S, A487S, A526S, A538S.
Identifiers: ClinVar variation 2638953 (VCV002638953.27), dbSNP rs1391110750, ClinGen allele CA341177458.

ClinVar aggregate classification (germline): Uncertain significance. Review status: criteria provided, multiple submitters, no conflicts (2 of 4 stars). 3 submissions from 3 submitters: Uncertain significance (3). Last evaluated 2025-07-16.

Allele frequency attached by ClinVar (database versions not stated): TOPMed below 0.00001; gnomAD 0.00001.
gnomAD v4.1: 5 of 1,612,042 alleles (0.00031%); highest among the groups gnomAD compares: Non-Finnish European, 0.00042%; no homozygotes.

Submissions (3):

Labcorp Genetics (formerly Invitae), Labcorp
Classification: Uncertain significance. Last evaluated: 2025-07-16. Review status: criteria provided, single submitter. Criteria: Invitae Variant Classification Sherloc (09022015). Collection method: clinical testing. Allele origin: germline.
Comment: This sequence change replaces alanine, which is neutral and non-polar, with serine, which is neutral and polar, at codon 526 of the COL11A1 protein (p.Ala526Ser). This variant is not present in population databases (gnomAD no frequency). This variant has not been reported in the literature in individuals affected with COL11A1-related conditions. ClinVar contains an entry for this variant (Variation ID: 2638953). Invitae Evidence Modeling of protein sequence and biophysical properties (such as structural, functional, and spatial information, amino acid conservation, physicochemical variation, residue mobility, and thermodynamic stability) indicates that this missense variant is not expected to disrupt COL11A1 protein function with a negative predictive value of 80%. In summary, the available evidence is currently insufficient to determine the role of this variant in disease. Therefore, it has been classified as a Variant of Uncertain Significance.

Women's Health and Genetics/Laboratory Corporation of America, LabCorp
Classification: Uncertain significance. Last evaluated: 2024-11-13. Review status: criteria provided, single submitter. Criteria: LabCorp Variant Classification Summary - May 2015. Collection method: clinical testing. Allele origin: germline.
Comment: Variant summary: COL11A1 c.1576G>T (p.Ala526Ser) results in a conservative amino acid change in the encoded protein sequence. Three of five in-silico tools predict a damaging effect of the variant on protein function. The variant allele was found at a frequency of 3.1e-06 in 1612042 control chromosomes (gnomAD database v4). The available data on variant occurrences in the general population are insufficient to allow any conclusion about variant significance. To our knowledge, no occurrence of c.1576G>T in individuals affected with Stickler Syndrome and no experimental evidence demonstrating its impact on protein function have been reported. ClinVar contains an entry for this variant (Variation ID: 2638953). Based on the evidence outlined above, the variant was classified as uncertain significance.

CeGaT Center for Human Genetics Tuebingen
Classification: Uncertain significance. Last evaluated: 2023-05-01. Review status: criteria provided, single submitter. Criteria: CeGaT Center For Human Genetics Tuebingen Variant Classification Criteria Version 2. Collection method: clinical testing. Allele origin: germline. Affected: yes. Observed: 1 variant allele.